The following is an entry in ClinVar:

ClinVar aggregate classification (germline): Uncertain significance (1 of 4 stars; one submission).

Submission:

Labcorp Genetics (formerly Invitae), Labcorp
Classification: Uncertain significance. Last evaluated: 2023-05-31. Review status: criteria provided, single submitter. Criteria: Invitae Variant Classification Sherloc (09022015). Collection method: clinical testing. Allele origin: germline.
Comment: In summary, the available evidence is currently insufficient to determine the role of this variant in disease. Therefore, it has been classified as a Variant of Uncertain Significance. An algorithm developed to predict the effect of missense changes on protein structure and function (PolyPhen-2) suggests that this variant is likely to be disruptive. This variant has not been reported in the literature in individuals affected with SARS2-related conditions. This variant is present in population databases (no rsID available, gnomAD 0.0009%). This sequence change replaces arginine, which is basic and polar, with tryptophan, which is neutral and slightly polar, at codon 146 of the SARS2 protein (p.Arg146Trp).

NM_017827.4(SARS2):c.436C>T (p.Arg146Trp)

Gene: SARS2 (seryl-tRNA synthetase 2, mitochondrial; minus strand). Cytogenetic location: 19q13.2.
Variant type: single nucleotide variant.
Coding change: c.436C>T on transcript NM_017827.4 (MANE Select); coding-DNA position 436, C replaced by T.
Protein change: p.Arg146Trp; replaces arginine 146 with tryptophan.
Molecular consequence: missense variant. On other transcripts: intron variant (1).
Genome position (GRCh38, 1-based): chr19:38,921,625, G>A on the plus strand (C>T on the coding strand, the complement: SARS2 is on the minus strand). VCF-style: chr19-38921625-G-A. GRCh37 (hg19) VCF-style: chr19-39412265-G-A.
Other names: c.471-29C>T (NM_001145901.2); short protein forms R146W.
Identifiers: ClinVar variation 2892257 (VCV002892257.3), dbSNP rs780775359, ClinGen allele CA405739416.
Genomic context (GRCh38, chr19:38,921,625, plus strand): 5'-GCAGGTAGAACTGCTCCTCAAGCTGGGCCTCCCTGGGGTACAGGTGAACAAGCTCCTTCC[G>A]GATCTCCCGGCCACGTGCCCGCAGACCCTGGTACTTGGGGTCCTGGGGGCAGCACAGGTG-3'
Protein context (NP_060297.1, residues 136-156): QGLRARGREI[Arg146Trp]KELVHLYPRE